The following is an entry in ClinVar:

ClinVar aggregate classification (germline): Likely benign. Review status: criteria provided, multiple submitters, no conflicts (2 of 4 stars). 2 submissions from 2 submitters: Likely benign (2). Last evaluated 2026-03-01.

Allele frequency attached by ClinVar (database versions not stated): ExAC 0.00178; gnomAD 0.00367; ESP Exome Variant Server 0.00393; 1000 Genomes Project 30x 0.00515; 1000 Genomes Project 0.00519.
gnomAD v4.1: 1,728 of 1,613,816 alleles (0.11%); highest among the groups gnomAD compares: African/African-American, 1.2%; 7 homozygotes.

Submissions (2):

CeGaT Center for Human Genetics Tuebingen
Classification: Likely benign. Last evaluated: 2026-03-01. Review status: criteria provided, single submitter. Criteria: CeGaT Center For Human Genetics Tuebingen Variant Classification Criteria Version 2. Collection method: clinical testing. Allele origin: germline. Affected: yes. Observed: 5 variant alleles.
Comment: INTS1: BP4, BP7, BS1

Blueprint Genetics
Classification: Likely benign. Last evaluated: 2024-11-17. Review status: criteria provided, single submitter. Criteria: ACMG Guidelines, 2015. Collection method: clinical testing. Allele origin: germline.

NM_001080453.3(INTS1):c.1407C>T (p.Ser469=)

Gene: INTS1 (integrator complex subunit 1; minus strand). Cytogenetic location: 7p22.3.
Variant type: single nucleotide variant.
Coding change: c.1407C>T on transcript NM_001080453.3 (MANE Select); coding-DNA position 1407, C replaced by T.
Protein change: p.Ser469=; no amino-acid change (serine 469 retained).
Molecular consequence: synonymous variant.
Genome position (GRCh38, 1-based): chr7:1,498,430, G>A on the plus strand (C>T on the coding strand, the complement: INTS1 is on the minus strand). VCF-style: chr7-1498430-G-A. GRCh37 (hg19) VCF-style: chr7-1538066-G-A.
Identifiers: ClinVar variation 2657212 (VCV002657212.25), dbSNP rs184457271, ClinGen allele CA4120346.